The following is an entry in ClinVar:

NM_032578.4(MYPN):c.1496C>T (p.Thr499Ile)

Gene: MYPN (myopalladin; plus strand). Cytogenetic location: 10q21.3.
Variant type: single nucleotide variant.
Coding change: c.1496C>T on transcript NM_032578.4 (MANE Select); coding-DNA position 1496, C replaced by T.
Protein change: p.Thr499Ile; replaces threonine 499 with isoleucine.
Molecular consequence: missense variant. On other transcripts: non-coding transcript variant (2).
Genome position (GRCh38, 1-based): chr10:68,165,714, C>T. VCF-style: chr10-68165714-C-T. GRCh37 (hg19) VCF-style: chr10-69925471-C-T.
Other names: c.1496C>T, p.Thr499Ile (NM_001256267.2); c.614C>T, p.Thr205Ile (NM_001256268.2); short protein forms T499I, T205I.
Identifiers: ClinVar variation 4745281 (VCV004745281.1).

ClinVar aggregate classification (germline): Uncertain significance (1 of 4 stars; one submission).

Conditions:
Dilated cardiomyopathy 1KK (CMD1KK). Identifiers: Orphanet 154, Orphanet 75249, MedGen C3714995, MONDO:0014100, OMIM 615248.

gnomAD v4.1: 1 of 1,614,000 alleles (0.000062%); highest among the groups gnomAD compares: South Asian, 0.0011%; no homozygotes.

Submission:

Labcorp Genetics (formerly Invitae), Labcorp
Classification: Uncertain significance for Dilated cardiomyopathy 1KK. Last evaluated: 2026-01-14. Review status: criteria provided, single submitter. Criteria: Invitae Variant Classification Sherloc (09022015). Collection method: clinical testing. Allele origin: germline.
Comment: This sequence change replaces threonine, which is neutral and polar, with isoleucine, which is neutral and non-polar, at codon 499 of the MYPN protein (p.Thr499Ile). This variant is not present in population databases (gnomAD no frequency). This variant has not been reported in the literature in individuals affected with MYPN-related conditions. An algorithm developed to predict the effect of missense changes on protein structure and function (PolyPhen-2) suggests that this variant is likely to be disruptive. In summary, the available evidence is currently insufficient to determine the role of this variant in disease. Therefore, it has been classified as a Variant of Uncertain Significance.